The following is an entry in ClinVar:

ClinVar aggregate classification (germline): Uncertain significance. Review status: criteria provided, multiple submitters, no conflicts (2 of 4 stars). 2 submissions from 2 submitters: Uncertain significance (2). Last evaluated 2022-07-19.

Conditions:
Nephronophthisis. Also called: Juvenile Nephronophthisis. Identifiers: Orphanet 655, MedGen C0687120, MONDO:0019005, HP:0000090.

Allele frequency attached by ClinVar (database versions not stated): gnomAD 0.00001; gnomAD exomes 0.00001 and 0.00002; TOPMed 0.00001.
gnomAD v4.1: 19 of 1,603,756 alleles (0.0012%); highest among the groups gnomAD compares: South Asian, 0.0089%; no homozygotes.

Submissions (2):

Labcorp Genetics (formerly Invitae), Labcorp
Classification: Uncertain significance for Nephronophthisis. Last evaluated: 2022-07-19. Review status: criteria provided, single submitter. Criteria: Invitae Variant Classification Sherloc (09022015). Collection method: clinical testing. Allele origin: germline.
Comment: This sequence change replaces glutamic acid, which is acidic and polar, with lysine, which is basic and polar, at codon 907 of the NPHP4 protein (p.Glu907Lys). This variant is present in population databases (no rsID available, gnomAD 0.01%). This variant has not been reported in the literature in individuals affected with NPHP4-related conditions. ClinVar contains an entry for this variant (Variation ID: 1062389). Algorithms developed to predict the effect of missense changes on protein structure and function are either unavailable or do not agree on the potential impact of this missense change (SIFT: "Deleterious"; PolyPhen-2: "Possibly Damaging"; Align-GVGD: "Class C0"). In summary, the available evidence is currently insufficient to determine the role of this variant in disease. Therefore, it has been classified as a Variant of Uncertain Significance.

Dubai Health Genomic Medicine Center, Dubai Health
Classification: Uncertain significance. Last evaluated: 2019-12-26. Review status: criteria provided, single submitter. Criteria: ACMG Guidelines, 2015. Collection method: clinical testing. Allele origin: germline. Affected: yes.

NM_015102.5(NPHP4):c.2719G>A (p.Glu907Lys)

Gene: NPHP4 (nephrocystin 4; minus strand). Cytogenetic location: 1p36.31.
Variant type: single nucleotide variant.
Coding change: c.2719G>A on transcript NM_015102.5 (MANE Select); coding-DNA position 2719, G replaced by A.
Protein change: p.Glu907Lys; replaces glutamic acid 907 with lysine.
Molecular consequence: missense variant. On other transcripts: non-coding transcript variant (1).
Genome position (GRCh38, 1-based): chr1:5,877,191, C>T on the plus strand (G>A on the coding strand, the complement: NPHP4 is on the minus strand). VCF-style: chr1-5877191-C-T. GRCh37 (hg19) VCF-style: chr1-5937251-C-T.
Other names: c.1180G>A, p.Glu394Lys (NM_001291593.2); c.1183G>A, p.Glu395Lys (NM_001291594.2); short protein forms E394K, E395K, E907K.
Identifiers: ClinVar variation 1062389 (VCV001062389.11), dbSNP rs1310354413, ClinGen allele CA338057351.
Genomic context (GRCh38, chr1:5,877,191, plus strand): 5'-CCTCCTGCAGGCGCACAGACCTCATCCGCTCCAGCTTACGCCTGCGGGTGGCATCCGACT[C>T]GCGGCTGACGTCCTGGGGCCCCTTGCCCTGCCGGGCATGGGTCAGTAGCATGGCAGCCAG-3'
Protein context (NP_055917.1, residues 897-917): QGKGPQDVSR[Glu907Lys]SDATRRRKLE